The following is an entry in ClinVar:

NM_007294.4(BRCA1):c.1169A>C (p.Asp390Ala)

Gene: BRCA1 (BRCA1 DNA repair associated; minus strand). Cytogenetic location: 17q21.31.
Variant type: single nucleotide variant.
Coding change: c.1169A>C on transcript NM_007294.4 (MANE Select); coding-DNA position 1169, A replaced by C.
Protein change: p.Asp390Ala; replaces aspartic acid 390 with alanine.
Molecular consequence: missense variant. On other transcripts: intron variant (137).
Genome position (GRCh38, 1-based): chr17:43,094,362, T>G on the plus strand (A>C on the coding strand, the complement: BRCA1 is on the minus strand). VCF-style: chr17-43094362-T-G. GRCh37 (hg19) VCF-style: chr17-41246379-T-G.
Other names: c.1025A>C, p.Asp342Ala (NM_001407849.1, NM_001407740.1, NM_001407741.1 and 20 more transcripts); c.1028A>C, p.Asp343Ala (NM_001407850.1, NM_001407851.1, NM_001407852.1 and 29 more transcripts); c.956A>C, p.Asp319Ala (NM_001407853.1, NM_001407895.1, NM_001407896.1 and 9 more transcripts); c.1169A>C, p.Asp390Ala (NM_001407854.1, NM_001407858.1, NM_001407859.1 and 30 more transcripts); c.1166A>C, p.Asp389Ala (NM_001407860.1, NM_001407861.1, NM_001407587.1 and 22 more transcripts); c.968A>C, p.Asp323Ala (NM_001407862.1); c.1046A>C, p.Asp349Ala (NM_001407863.1, NM_001407648.1, NM_001407664.1 and 19 more transcripts); c.965A>C, p.Asp322Ala (NM_001407874.1, NM_001407875.1); and 40 more; short protein forms D343A, D390A, D262A, D263A, D302A, D387A, D389A, D94A.
Identifiers: ClinVar variation 1482193 (VCV001482193.11), dbSNP rs2154472427, ClinGen allele CA10599713.

ClinVar aggregate classification (germline): Conflicting classifications of pathogenicity. Review status: criteria provided, conflicting classifications (1 of 4 stars). 2 submissions from 2 submitters: Uncertain significance (1); Likely benign (1). Last evaluated 2023-03-23.

Conditions:
Hereditary cancer-predisposing syndrome. Also called: Tumor predisposition; Hereditary Cancer Syndrome; Hereditary neoplastic syndrome; Neoplastic Syndromes, Hereditary. Identifiers: Orphanet 140162, MedGen C0027672, MeSH D009386, MONDO:0015356.
Hereditary breast ovarian cancer syndrome. Also called: Hereditary breast and ovarian cancer; BRCA1- and BRCA2-Associated Hereditary Breast and Ovarian Cancer; Hereditary breast and ovarian cancer syndrome; Hereditary breast and ovarian cancer syndrome (HBOC); Breast and ovarian cancer; Hereditary breast and/or ovarian cancer syndrome. Identifiers: Orphanet 145, MedGen C0677776, MeSH D061325, MONDO:0003582. Disease mechanism: loss of function.

Submissions (2):

University of Washington Department of Laboratory Medicine, University of Washington
Classification: Likely benign for Hereditary cancer-predisposing syndrome. Last evaluated: 2023-03-23. Review status: criteria provided, single submitter. Criteria: Dines et al. (Genet Med. 2020). Collection method: curation. Allele origin: germline.
Comment: Missense variant in a coldspot region where missense variants are very unlikely to be pathogenic (PMID:31911673).

BRCA1 coldspot (exon 11 using historical exon numbering). Reclassification based on statistical prior probability

Labcorp Genetics (formerly Invitae), Labcorp
Classification: Uncertain significance for Hereditary breast ovarian cancer syndrome. Last evaluated: 2021-04-13. Review status: criteria provided, single submitter. Criteria: Invitae Variant Classification Sherloc (09022015). Collection method: clinical testing. Allele origin: germline.
Comment: This variant is not present in population databases (ExAC no frequency). In summary, the available evidence is currently insufficient to determine the role of this variant in disease. Therefore, it has been classified as a Variant of Uncertain Significance. Advanced modeling of protein sequence and biophysical properties (such as structural, functional, and spatial information, amino acid conservation, physicochemical variation, residue mobility, and thermodynamic stability) performed at Invitae indicates that this missense variant is not expected to disrupt BRCA1 protein function. This variant has not been reported in the literature in individuals with BRCA1-related conditions. This sequence change replaces aspartic acid with alanine at codon 390 of the BRCA1 protein (p.Asp390Ala). The aspartic acid residue is moderately conserved and there is a moderate physicochemical difference between aspartic acid and alanine.